The following is an entry in ClinVar:

NM_030665.4(RAI1):c.413T>A (p.Val138Glu)

Gene: RAI1 (retinoic acid induced 1; plus strand). Cytogenetic location: 17p11.2.
Variant type: single nucleotide variant.
Coding change: c.413T>A on transcript NM_030665.4 (MANE Select); coding-DNA position 413, T replaced by A.
Protein change: p.Val138Glu; replaces valine 138 with glutamic acid.
Molecular consequence: missense variant.
Genome position (GRCh38, 1-based): chr17:17,793,361, T>A. VCF-style: chr17-17793361-T-A. GRCh37 (hg19) VCF-style: chr17-17696675-T-A.
Other names: short protein forms V138E.
Identifiers: ClinVar variation 3348086 (VCV003348086.1).

ClinVar aggregate classification (germline): Uncertain significance (0 of 4 stars; one submission).

Conditions:
RAI1-related disorder. Also called: RAI1-related condition.

gnomAD v4.1: 1 of 1,612,844 alleles (0.000062%); highest among the groups gnomAD compares: Non-Finnish European, 0.000085%; no homozygotes.

Submission:

PreventionGenetics, part of Exact Sciences
Classification: Uncertain significance for RAI1-related condition. Last evaluated: 2024-02-27. Review status: no assertion criteria provided. Collection method: clinical testing. Allele origin: germline.
Comment: The RAI1 c.413T>A variant is predicted to result in the amino acid substitution p.Val138Glu. To our knowledge, this variant has not been reported in the literature or in a large population database, indicating this variant is rare. At this time, the clinical significance of this variant is uncertain due to the absence of conclusive functional and genetic evidence.